The following is an entry in ClinVar:

ClinVar aggregate classification (germline): Uncertain significance (1 of 4 stars; one submission).

Allele frequency attached by ClinVar (database versions not stated): gnomAD exomes below 0.00001 and 0.00001; TOPMed below 0.00001; ExAC 0.00005.

Submission:

Labcorp Genetics (formerly Invitae), Labcorp
Classification: Uncertain significance. Last evaluated: 2023-07-03. Review status: criteria provided, single submitter. Criteria: Invitae Variant Classification Sherloc (09022015). Collection method: clinical testing. Allele origin: germline.
Comment: In summary, the available evidence is currently insufficient to determine the role of this variant in disease. Therefore, it has been classified as a Variant of Uncertain Significance. Algorithms developed to predict the effect of missense changes on protein structure and function output the following: SIFT: "Not Available"; PolyPhen-2: "Benign"; Align-GVGD: "Not Available". The valine amino acid residue is found in multiple mammalian species, which suggests that this missense change does not adversely affect protein function. ClinVar contains an entry for this variant (Variation ID: 1421487). This variant has not been reported in the literature in individuals affected with ITM2B-related conditions. The frequency data for this variant in the population databases is considered unreliable, as metrics indicate poor data quality at this position in the gnomAD database. This sequence change replaces isoleucine, which is neutral and non-polar, with valine, which is neutral and non-polar, at codon 29 of the ITM2B protein (p.Ile29Val).

NM_021999.5(ITM2B):c.85A>G (p.Ile29Val)

Gene: ITM2B (integral membrane protein 2B; plus strand). Cytogenetic location: 13q14.2.
Variant type: single nucleotide variant.
Coding change: c.85A>G on transcript NM_021999.5 (MANE Select); coding-DNA position 85, A replaced by G.
Protein change: p.Ile29Val; replaces isoleucine 29 with valine.
Molecular consequence: missense variant.
Genome position (GRCh38, 1-based): chr13:48,233,445, A>G. VCF-style: chr13-48233445-A-G. GRCh37 (hg19) VCF-style: chr13-48807581-A-G.
Other names: short protein forms I29V.
Identifiers: ClinVar variation 1421487 (VCV001421487.6), dbSNP rs758987944, ClinGen allele CA6978678.